The following is an entry in ClinVar:

NM_000268.4(NF2):c.*1208C>T

Gene: NF2 (NF2, moesin-ezrin-radixin like (MERLIN) tumor suppressor; plus strand). Cytogenetic location: 22q12.2.
Variant type: single nucleotide variant.
Coding change: c.*1208C>T on transcript NM_000268.4 (MANE Select); 1208 bases downstream of the stop codon, C replaced by T.
Molecular consequence: 3 prime UTR variant. On other transcripts: non-coding transcript variant (1).
Genome position (GRCh38, 1-based): chr22:29,696,010, C>T. VCF-style: chr22-29696010-C-T. GRCh37 (hg19) VCF-style: chr22-30091999-C-T.
Other names: c.*1268C>T (NM_016418.5, NM_181828.3, NM_181829.3 and 1 more transcripts); c.*1283C>T (NM_181832.3); c.*1208C>T (NM_181833.3).
Identifiers: ClinVar variation 341101 (VCV000341101.6), dbSNP rs2530680, ClinGen allele CA10645255.

ClinVar aggregate classification (germline): Benign. Review status: criteria provided, multiple submitters, no conflicts (2 of 4 stars). 2 submissions from 2 submitters: Benign (2). Last evaluated 2018-01-13.

Conditions:
Neurofibromatosis, type 2 (SWNV). Also called: SCHWANNOMATOSIS, VESTIBULAR; BILATERAL ACOUSTIC NEUROFIBROMATOSIS; NF2-Related Schwannomatosis. Identifiers: Orphanet 637, MedGen C0027832, MONDO:0007039, OMIM 101000. Disease mechanism: loss of function.

Allele frequency attached by ClinVar (database versions not stated): gnomAD 0.23028 and 0.23415; TOPMed 0.23108; gnomAD exomes 0.26216; 1000 Genomes Project 30x 0.27795; 1000 Genomes Project 0.27995.
gnomAD v4.1: 56,398 of 232,442 alleles (24%); highest among the groups gnomAD compares: East Asian, 45%; 7,495 homozygotes.

Submissions (2):

Illumina Laboratory Services, Illumina
Classification: Benign for Neurofibromatosis, type 2. Last evaluated: 2018-01-13. Review status: criteria provided, single submitter. Criteria: ICSL Variant Classification Criteria 13 December 2019. Collection method: clinical testing. Allele origin: germline.
Comment: This variant was observed in the ICSL laboratory as part of a predisposition screen in an ostensibly healthy population. It had not been previously curated by ICSL or reported in the Human Gene Mutation Database (HGMD: prior to June 1st, 2018), and was therefore a candidate for classification through an automated scoring system. Utilizing variant allele frequency, disease prevalence and penetrance estimates, and inheritance mode, an automated score was calculated to assess if this variant is too frequent to cause the disease. Based on the score and internal cut-off values, a variant classified as benign is not then subjected to further curation. The score for this variant resulted in a classification of benign for this disease.

Breakthrough Genomics
Classification: Benign. Review status: criteria provided, single submitter. Criteria: ACMG Guidelines, 2015. Collection method: not provided. Allele origin: germline. Inheritance: Autosomal dominant inheritance. Affected: yes.